The following is an entry in ClinVar:

NM_032208.3(ANTXR1):c.1435-12A>G

Gene: ANTXR1 (ANTXR cell adhesion molecule 1; plus strand). Cytogenetic location: 2p13.3.
Variant type: single nucleotide variant.
Coding change: c.1435-12A>G on transcript NM_032208.3 (MANE Select); 12 bases into the intron before coding-DNA position 1435, A replaced by G.
Molecular consequence: intron variant.
Genome position (GRCh38, 1-based): chr2:69,245,213, A>G. VCF-style: chr2-69245213-A-G. GRCh37 (hg19) VCF-style: chr2-69472345-A-G.
Other names: IVS19, A-G, -12.
Identifiers: ClinVar variation 50908 (VCV000050908.2), dbSNP rs879255533, ClinGen allele CA10575578.

ClinVar aggregate classification (germline): Uncertain significance. Review status: criteria provided, single submitter (1 of 4 stars). 2 submissions from 2 submitters: Uncertain significance (1). 1 of the submissions does not count toward it. Last evaluated 2022-10-06.

Conditions:
ANTXR1-related disorder. Also called: ANTXR1-related condition.
GAPO syndrome. Identifiers: Orphanet 2067, MedGen C0406723, MONDO:0009263, OMIM 230740.

gnomAD v4.1: 1 of 1,613,854 alleles (0.000062%); no homozygotes.

Submissions (2):

PreventionGenetics, part of Exact Sciences
Classification: Uncertain significance for ANTXR1-related condition. Last evaluated: 2022-10-06. Review status: criteria provided, single submitter. Criteria: ACMG Guidelines, 2015. Collection method: clinical testing. Allele origin: germline.
Comment: The ANTXR1 c.1435-12A>G variant is predicted to interfere with splicing. This variant was reported in the homozygous state in an individual with autosomal recessive GAPO syndrome (Stránecký et al. 2013. PubMed ID: 23602711). This variant has not been reported in a large population database, indicating this variant is rare. Although we suspect that this variant could be pathogenic for ANTXR1-related autosomal recessive disease, at this time, the clinical significance of this variant is uncertain due to insufficient functional and genetic evidence. The clinical significance of this variant in relation to autosomal dominant susceptibility to infantile capillary hemangioma is uncertain.

OMIM
Classification: Pathogenic for GAPO SYNDROME. Last evaluated: 2013-05-02. Review status: no assertion criteria provided. Collection method: literature only. Allele origin: germline. Not counted in ClinVar's aggregate classification.

Literature cited by the submitters: PubMed 23602711 (cited by OMIM).